The following is an entry in ClinVar:

ClinVar aggregate classification (germline): Uncertain significance (1 of 4 stars; one submission).

Conditions:
Cardiovascular phenotype. Identifiers: MedGen CN230736.

Submission:

Ambry Genetics
Classification: Uncertain significance for Cardiovascular phenotype. Last evaluated: 2022-01-12. Review status: criteria provided, single submitter. Criteria: Ambry Variant Classification Scheme 2023. Collection method: clinical testing. Allele origin: germline.
Comment: The c.1015delC variant, located in coding exon 5 of the SNTA1 gene, results from a deletion of one nucleotide at nucleotide position 1015, causing a translational frameshift with a predicted alternate stop codon (p.R339Vfs*148). This alteration is expected to result in loss of function by premature protein truncation or nonsense-mediated mRNA decay. However, loss of function of SNTA1 has not been clearly established as a mechanism of disease, and the evidence for this gene-disease relationship is limited; therefore, the clinical significance of this alteration is unclear.

NM_003098.3(SNTA1):c.1015del (p.Arg339fs)

Gene: SNTA1 (syntrophin alpha 1; minus strand). Cytogenetic location: 20q11.21.
Variant type: Deletion.
Coding change: c.1015del on transcript NM_003098.3 (MANE Select); coding-DNA position 1015, one base deleted (C; older notation c.1015delC).
Protein change: p.Arg339fs; shifts the reading frame from arginine 339.
Molecular consequence: frameshift variant.
Genome position (GRCh38, 1-based): chr20:33,412,321, G deleted on the plus strand (C on the coding strand, the reverse complement: SNTA1 is on the minus strand); the first of 3 consecutive G bases (chr20:33,412,321-33,412,323); deleting any one gives the same sequence. VCF-style (leftmost placement, unchanged base first): chr20-33412320-CG-C. GRCh37 (hg19) VCF-style: chr20-32000126-CG-C.
Other names: c.1015delC (NM_003098.2); short protein forms R339fs.
Identifiers: ClinVar variation 1742525 (VCV001742525.2), dbSNP rs1203117110, ClinGen allele CA635719737.